The following is an entry in ClinVar:

NM_015570.4(AUTS2):c.1215-1G>A

Gene: AUTS2 (activator of transcription and developmental regulator AUTS2; plus strand). Cytogenetic location: 7q11.22.
Variant type: single nucleotide variant.
Coding change: c.1215-1G>A on transcript NM_015570.4 (MANE Select); the canonical splice acceptor site of the intron before coding-DNA position 1215, G replaced by A.
Molecular consequence: splice acceptor variant.
Genome position (GRCh38, 1-based): chr7:70,764,751, G>A. VCF-style: chr7-70764751-G-A. GRCh37 (hg19) VCF-style: chr7-70229737-G-A.
Other names: c.1215-1G>A (NM_001127231.3).
Identifiers: ClinVar variation 4796533 (VCV004796533.1).

ClinVar aggregate classification (germline): Likely pathogenic (1 of 4 stars; one submission).

Conditions:
Autism spectrum disorder due to AUTS2 deficiency (MRD26). Also called: INTELLECTUAL DEVELOPMENTAL DISORDER, AUTOSOMAL DOMINANT 26. Identifiers: Orphanet 352490, MedGen C4014435, MONDO:0014361, OMIM 615834.

Submission:

Juno Genomics, Hangzhou Juno Genomics, Inc
Classification: Likely pathogenic for Autism spectrum disorder due to AUTS2 deficiency. Review status: criteria provided, single submitter. Criteria: ACMG Guidelines, 2015. Collection method: clinical testing. Allele origin: germline. Affected: yes.
Comment: Absent from controls (or at extremely low frequency if recessive) in Genome Aggregation Database, Exome Sequencing Project, 1000 Genomes Project, or Exome Aggregation Consortium.;Null variant in a gene where loss of function (LOF) is a known mechanism of disease.